The following is an entry in ClinVar:

ClinVar aggregate classification (germline): Uncertain significance (1 of 4 stars; one submission).

Allele frequency attached by ClinVar (database versions not stated): gnomAD exomes below 0.00001; ExAC 0.00001; gnomAD 0.00001; TOPMed 0.00002.
gnomAD v4.1: 7 of 1,613,114 alleles (0.00043%); highest among the groups gnomAD compares: African/African-American, 0.0013%; no homozygotes.

Submission:

Labcorp Genetics (formerly Invitae), Labcorp
Classification: Uncertain significance. Last evaluated: 2022-06-22. Review status: criteria provided, single submitter. Criteria: Invitae Variant Classification Sherloc (09022015). Collection method: clinical testing. Allele origin: germline.
Comment: In summary, the available evidence is currently insufficient to determine the role of this variant in disease. Therefore, it has been classified as a Variant of Uncertain Significance. Algorithms developed to predict the effect of missense changes on protein structure and function output the following: SIFT: "Tolerated"; PolyPhen-2: "Benign"; Align-GVGD: "Class C0". The leucine amino acid residue is found in multiple mammalian species, which suggests that this missense change does not adversely affect protein function. This variant has not been reported in the literature in individuals affected with ARSG-related conditions. This variant is present in population databases (rs747914484, gnomAD 0.0009%). This sequence change replaces phenylalanine, which is neutral and non-polar, with leucine, which is neutral and non-polar, at codon 296 of the ARSG protein (p.Phe296Leu).

NM_001267727.2(ARSG):c.886T>C (p.Phe296Leu)

Gene: ARSG (arylsulfatase G; plus strand). Cytogenetic location: 17q24.2.
Variant type: single nucleotide variant.
Coding change: c.886T>C on transcript NM_001267727.2 (MANE Select); coding-DNA position 886, T replaced by C.
Protein change: p.Phe296Leu; replaces phenylalanine 296 with leucine.
Molecular consequence: missense variant.
Genome position (GRCh38, 1-based): chr17:68,368,729, T>C. VCF-style: chr17-68368729-T-C. GRCh37 (hg19) VCF-style: chr17-66364870-T-C.
Other names: c.886T>C, p.Phe296Leu (NM_001352899.2, NM_001352900.2, NM_001352901.2 and 3 more transcripts); c.883T>C, p.Phe295Leu (NM_001352903.2, NM_001352904.2, NM_001352905.2 and 2 more transcripts); c.838T>C, p.Phe280Leu (NM_001352909.2); short protein forms F295L, F280L, F296L.
Identifiers: ClinVar variation 1940838 (VCV001940838.5), dbSNP rs747914484, ClinGen allele CA8728379.